The following is an entry in ClinVar:

NM_004369.4(COL6A3):c.7022G>A (p.Gly2341Asp)

Gene: COL6A3 (collagen type VI alpha 3 chain; minus strand). Cytogenetic location: 2q37.3.
Variant type: single nucleotide variant.
Coding change: c.7022G>A on transcript NM_004369.4 (MANE Select); coding-DNA position 7022, G replaced by A.
Protein change: p.Gly2341Asp; replaces glycine 2341 with aspartic acid.
Molecular consequence: missense variant.
Genome position (GRCh38, 1-based): chr2:237,347,814, C>T on the plus strand (G>A on the coding strand, the complement: COL6A3 is on the minus strand). VCF-style: chr2-237347814-C-T. GRCh37 (hg19) VCF-style: chr2-238256457-C-T.
Other names: c.5201G>A, p.Gly1734Asp (NM_057166.5); c.6404G>A, p.Gly2135Asp (NM_057167.4); short protein forms G2341D, G1734D, G2135D.
Identifiers: ClinVar variation 2985526 (VCV002985526.3), dbSNP rs1309246158, ClinGen allele CA351207028.

ClinVar aggregate classification (germline): Uncertain significance (1 of 4 stars; one submission).

Conditions:
Bethlem myopathy 1A. Also called: MYOPATHY, BENIGN CONGENITAL, WITH CONTRACTURES; Bethlem myopathy 1; Bethlem Muscular Dystrophy. Identifiers: Orphanet 610, MedGen CN029274, MONDO:0024530, OMIM 158810.

Allele frequency attached by ClinVar (database versions not stated): TOPMed below 0.00001; gnomAD 0.00001.
gnomAD v4.1: 1 of 1,610,528 alleles (0.000062%); highest among the groups gnomAD compares: Non-Finnish European, 0.000085%; no homozygotes.

Submission:

Labcorp Genetics (formerly Invitae), Labcorp
Classification: Uncertain significance for Bethlem myopathy 1A. Last evaluated: 2023-08-29. Review status: criteria provided, single submitter. Criteria: Invitae Variant Classification Sherloc (09022015). Collection method: clinical testing. Allele origin: germline.
Comment: In summary, the available evidence is currently insufficient to determine the role of this variant in disease. Therefore, it has been classified as a Variant of Uncertain Significance. Advanced modeling of protein sequence and biophysical properties (such as structural, functional, and spatial information, amino acid conservation, physicochemical variation, residue mobility, and thermodynamic stability) performed at Invitae indicates that this missense variant is expected to disrupt COL6A3 protein function. This variant has not been reported in the literature in individuals affected with COL6A3-related conditions. This variant is not present in population databases (gnomAD no frequency). This sequence change replaces glycine, which is neutral and non-polar, with aspartic acid, which is acidic and polar, at codon 2341 of the COL6A3 protein (p.Gly2341Asp).